The following is an entry in ClinVar:

NM_183075.3(CYP2U1):c.551C>A (p.Thr184Asn)

Gene: CYP2U1 (cytochrome P450 family 2 subfamily U member 1; plus strand). Cytogenetic location: 4q25.
Variant type: single nucleotide variant.
Coding change: c.551C>A on transcript NM_183075.3 (MANE Select); coding-DNA position 551, C replaced by A.
Protein change: p.Thr184Asn; replaces threonine 184 with asparagine.
Molecular consequence: missense variant.
Genome position (GRCh38, 1-based): chr4:107,945,030, C>A. VCF-style: chr4-107945030-C-A. GRCh37 (hg19) VCF-style: chr4-108866186-C-A.
Other names: short protein forms T184N.
Identifiers: ClinVar variation 1925162 (VCV001925162.5), dbSNP rs757598063, ClinGen allele CA357836416.

ClinVar aggregate classification (germline): Uncertain significance (1 of 4 stars; one submission).

Conditions:
Spastic paraplegia. Identifiers: MedGen C0037772, HP:0001258.

Submission:

Labcorp Genetics (formerly Invitae), Labcorp
Classification: Uncertain significance for Spastic paraplegia. Last evaluated: 2022-10-25. Review status: criteria provided, single submitter. Criteria: Invitae Variant Classification Sherloc (09022015). Collection method: clinical testing. Allele origin: germline.
Comment: This sequence change replaces threonine, which is neutral and polar, with asparagine, which is neutral and polar, at codon 184 of the CYP2U1 protein (p.Thr184Asn). In summary, the available evidence is currently insufficient to determine the role of this variant in disease. Therefore, it has been classified as a Variant of Uncertain Significance. Advanced modeling of protein sequence and biophysical properties (such as structural, functional, and spatial information, amino acid conservation, physicochemical variation, residue mobility, and thermodynamic stability) performed at Invitae indicates that this missense variant is not expected to disrupt CYP2U1 protein function. This variant has not been reported in the literature in individuals affected with CYP2U1-related conditions. This variant is not present in population databases (gnomAD no frequency).